The following is an entry in ClinVar:

NM_004304.5(ALK):c.389G>A (p.Gly130Asp)

Gene: ALK (ALK receptor tyrosine kinase; minus strand). Cytogenetic location: 2p23.1.
Variant type: single nucleotide variant.
Coding change: c.389G>A on transcript NM_004304.5 (MANE Select); coding-DNA position 389, G replaced by A.
Protein change: p.Gly130Asp; replaces glycine 130 with aspartic acid.
Molecular consequence: missense variant.
Genome position (GRCh38, 1-based): chr2:29,920,271, C>T on the plus strand (G>A on the coding strand, the complement: ALK is on the minus strand). VCF-style: chr2-29920271-C-T. GRCh37 (hg19) VCF-style: chr2-30143137-C-T.
Other names: short protein forms G130D.
Identifiers: ClinVar variation 2586673 (VCV002586673.2), dbSNP rs1553380330, ClinGen allele CA346590141.
Genomic context (GRCh38, chr2:29,920,271, plus strand): 5'-ATCGCCTCCTCGCCCAGCTCCAGCACCAACTGCTTGGCACGCCGGAGCTTGCGCACGGAG[C>T]CGCCCTTCAGCACCCTGGACAGCGTCCGGGCCTCTGCCGGGGCTGGTGAACCGGCGGTCC-3'
Protein context (NP_004295.2, residues 120-140): ARTLSRVLKG[Gly130Asp]SVRKLRRAKQ

ClinVar aggregate classification (germline): Uncertain significance (1 of 4 stars; one submission).

Conditions:
Hereditary cancer-predisposing syndrome. Also called: Hereditary neoplastic syndrome; Tumor predisposition; Hereditary Cancer Syndrome; Neoplastic Syndromes, Hereditary. Identifiers: Orphanet 140162, MedGen C0027672, MeSH D009386, MONDO:0015356.

gnomAD v4.1: 1 of 1,593,966 alleles (0.000063%); highest among the groups gnomAD compares: Non-Finnish European, 0.000085%; no homozygotes.

Submission:

Ambry Genetics
Classification: Uncertain significance for Hereditary cancer-predisposing syndrome. Last evaluated: 2023-06-28. Review status: criteria provided, single submitter. Criteria: Ambry Variant Classification Scheme 2023. Collection method: clinical testing. Allele origin: germline.
Comment: The p.G130D variant (also known as c.389G>A), located in coding exon 1 of the ALK gene, results from a G to A substitution at nucleotide position 389. The glycine at codon 130 is replaced by aspartic acid, an amino acid with similar properties. This amino acid position is conserved. In addition, this alteration is predicted to be deleterious by in silico analysis. Since supporting evidence is limited at this time, the clinical significance of this alteration remains unclear.